The following is an entry in ClinVar:

NM_007294.4(BRCA1):c.3435T>C (p.Val1145=)

Genes: BRCA1 (BRCA1 DNA repair associated; minus strand), LOC126862571 (BRD4-independent group 4 enhancer GRCh37_chr17:41243136-41244335; plus strand). Cytogenetic location: 17q21.31.
Variant type: single nucleotide variant.
Coding change: c.3435T>C on transcript NM_007294.4 (MANE Select); coding-DNA position 3435, T replaced by C.
Protein change: p.Val1145=; no amino-acid change (valine 1145 retained).
Molecular consequence: synonymous variant. On other transcripts: intron variant (135).
Genome position (GRCh38, 1-based): chr17:43,092,096, A>G on the plus strand (T>C on the coding strand, the complement: BRCA1 is on the minus strand). VCF-style: chr17-43092096-A-G. GRCh37 (hg19) VCF-style: chr17-41244113-A-G.
Other names: c.3435T>C (NM_007300.3); c.3222T>C, p.Val1074= (NM_001407571.1, NM_001407853.1, NM_001407894.1 and 9 more transcripts); c.3435T>C, p.Val1145= (NM_001407581.1, NM_001407582.1, NM_001407583.1 and 30 more transcripts); c.3432T>C, p.Val1144= (NM_001407587.1, NM_001407590.1, NM_001407591.1 and 22 more transcripts); c.3426T>C, p.Val1142= (NM_001407646.1, NM_001407647.1); c.3312T>C, p.Val1104= (NM_001407648.1, NM_001407664.1, NM_001407665.1 and 19 more transcripts); c.3309T>C, p.Val1103= (NM_001407649.1, NM_001407670.1, NM_001407671.1 and 11 more transcripts); c.3357T>C, p.Val1119= (NM_001407653.1, NM_001407654.1, NM_001407655.1 and 4 more transcripts); and 42 more.
Identifiers: ClinVar variation 184013 (VCV000184013.25), dbSNP rs786201222, ClinGen allele CA002223.

ClinVar aggregate classification (germline): Benign/Likely benign. Review status: criteria provided, multiple submitters, no conflicts (2 of 4 stars). 9 submissions from 9 submitters: Benign (1); Likely benign (8). Last evaluated 2026-01-19.

Conditions:
Hereditary breast ovarian cancer syndrome. Also called: Hereditary breast and ovarian cancer syndrome; Hereditary breast and ovarian cancer syndrome (HBOC); BRCA1- and BRCA2-Associated Hereditary Breast and Ovarian Cancer; Breast and ovarian cancer; Hereditary breast and ovarian cancer; Hereditary breast and/or ovarian cancer syndrome. Identifiers: Orphanet 145, MedGen C0677776, MeSH D061325, MONDO:0003582. Disease mechanism: loss of function.
Fanconi anemia, complementation group S (FANCS). Identifiers: MedGen C4554406, MONDO:0054748, OMIM 617883.
Hereditary cancer-predisposing syndrome. Also called: Hereditary Cancer Syndrome; Hereditary neoplastic syndrome; Tumor predisposition; Neoplastic Syndromes, Hereditary. Identifiers: Orphanet 140162, MedGen C0027672, MeSH D009386, MONDO:0015356.
Breast-ovarian cancer, familial, susceptibility to, 1 (BROVCA1). Also called: OVARIAN CANCER, SUSCEPTIBILITY TO; BRCA1 Hereditary Breast and Ovarian Cancer. Identifiers: Orphanet 145, MedGen C2676676, MONDO:0011450, OMIM 604370. Disease mechanism: loss of function.

Allele frequency attached by ClinVar (database versions not stated): gnomAD exomes below 0.00001; TOPMed below 0.00001.
gnomAD v4.1: 7 of 1,614,016 alleles (0.00043%); highest among the groups gnomAD compares: South Asian, 0.0011%; no homozygotes.

Submissions (9):

Labcorp Genetics (formerly Invitae), Labcorp
Classification: Likely benign for Hereditary breast ovarian cancer syndrome. Last evaluated: 2026-01-19. Review status: criteria provided, single submitter. Criteria: Invitae Variant Classification Sherloc (09022015). Collection method: clinical testing. Allele origin: germline.

Women's Health and Genetics/Laboratory Corporation of America, LabCorp
Classification: Likely benign. Last evaluated: 2024-12-06. Review status: criteria provided, single submitter. Criteria: LabCorp Variant Classification Summary - May 2015. Collection method: clinical testing. Allele origin: germline.

Blueprint Genetics
Classification: Likely benign. Last evaluated: 2024-11-13. Review status: criteria provided, single submitter. Criteria: ACMG Guidelines, 2015. Collection method: clinical testing. Allele origin: germline.

Department of Pathology and Laboratory Medicine, Sinai Health System
Classification: Likely benign for Fanconi anemia, complementation group S. Last evaluated: 2023-10-03. Review status: criteria provided, single submitter. Criteria: ACMG Guidelines, 2015. Collection method: clinical testing. Allele origin: germline. Affected: no.

KCCC/NGS Laboratory, Kuwait Cancer Control Center
Classification: Likely benign for Breast-ovarian cancer, familial, susceptibility to, 1. Last evaluated: 2023-07-07. Review status: criteria provided, single submitter. Criteria: ACMG Guidelines, 2015. Collection method: clinical testing. Allele origin: germline. Affected: yes.

All of Us Research Program, National Institutes of Health
Classification: Likely benign for Breast-ovarian cancer, familial, susceptibility to, 1. Last evaluated: 2023-06-26. Review status: criteria provided, single submitter. Criteria: ACMG Guidelines, 2015. Collection method: clinical testing. Allele origin: germline. Inheritance: Autosomal dominant inheritance. Observed: 1 variant allele, 1 heterozygote.
Comment: This study involves interpretation of variants in research participants for the purpose of population health screening. Participant phenotype was not available at the time of variant classification. Additional details can be found in publication PMID: 35346344, PMCID: PMC8962531

Color Diagnostics, LLC DBA Color Health
Classification: Likely benign for Hereditary cancer-predisposing syndrome. Last evaluated: 2017-11-07. Review status: criteria provided, single submitter. Criteria: ACMG Guidelines, 2015. Collection method: clinical testing. Allele origin: germline.

Ambry Genetics
Classification: Likely benign for Hereditary cancer-predisposing syndrome. Last evaluated: 2015-10-29. Review status: criteria provided, single submitter. Criteria: Ambry Variant Classification Scheme 2023. Collection method: clinical testing. Allele origin: germline.

GeneDx
Classification: Benign. Last evaluated: 2015-07-31. Review status: criteria provided, single submitter. Criteria: GeneDx Variant Classification Process June 2021. Collection method: clinical testing. Allele origin: germline. Affected: yes.

Literature cited by the submitters: PubMed 17453335 (cited by Women's Health and Genetics/Laboratory Corporation of America, LabCorp); PubMed 18512148 (cited by Women's Health and Genetics/Laboratory Corporation of America, LabCorp); PubMed 15353005 (cited by Women's Health and Genetics/Laboratory Corporation of America, LabCorp).